The following is an entry in ClinVar:

NM_001348323.3(TRIP12):c.638G>A (p.Arg213Lys)

Gene: TRIP12 (thyroid hormone receptor interactor 12; minus strand). Cytogenetic location: 2q36.3.
Variant type: single nucleotide variant.
Coding change: c.638G>A on transcript NM_001348323.3 (MANE Select); coding-DNA position 638, G replaced by A.
Protein change: p.Arg213Lys; replaces arginine 213 with lysine.
Molecular consequence: missense variant. On other transcripts: intron variant (1).
Genome position (GRCh38, 1-based): chr2:229,859,161, C>T on the plus strand (G>A on the coding strand, the complement: TRIP12 is on the minus strand). VCF-style: chr2-229859161-C-T. GRCh37 (hg19) VCF-style: chr2-230723877-C-T.
Other names: c.638G>A, p.Arg213Lys (NM_001348333.1, NM_001348334.1, NM_001348335.2 and 15 more transcripts); c.512G>A, p.Arg171Lys (NM_004238.3, NM_001284215.2, NM_001348316.2 and 3 more transcripts); c.98+20821G>A (NM_001284216.2); short protein forms R213K, R171K.
Identifiers: ClinVar variation 2719238 (VCV002719238.3), dbSNP rs1337797747, ClinGen allele CA350896731.

ClinVar aggregate classification (germline): Uncertain significance (1 of 4 stars; one submission).

gnomAD v4.1: 15 of 1,614,164 alleles (0.00093%); highest among the groups gnomAD compares: Non-Finnish European, 0.0013%; no homozygotes.

Submission:

Labcorp Genetics (formerly Invitae), Labcorp
Classification: Uncertain significance. Last evaluated: 2023-12-30. Review status: criteria provided, single submitter. Criteria: Invitae Variant Classification Sherloc (09022015). Collection method: clinical testing. Allele origin: germline.
Comment: This sequence change replaces arginine, which is basic and polar, with lysine, which is basic and polar, at codon 171 of the TRIP12 protein (p.Arg171Lys). This variant is not present in population databases (gnomAD no frequency). This variant has not been reported in the literature in individuals affected with TRIP12-related conditions. An algorithm developed to predict the effect of missense changes on protein structure and function (PolyPhen-2) suggests that this variant is likely to be tolerated. In summary, the available evidence is currently insufficient to determine the role of this variant in disease. Therefore, it has been classified as a Variant of Uncertain Significance.